The following is an entry in ClinVar:

ClinVar aggregate classification (germline): Pathogenic (1 of 4 stars; one submission).

Conditions:
Spastic paraplegia. Identifiers: MedGen C0037772, HP:0001258.

Submission:

Labcorp Genetics (formerly Invitae), Labcorp
Classification: Pathogenic for Spastic paraplegia. Last evaluated: 2024-01-24. Review status: criteria provided, single submitter. Criteria: Invitae Variant Classification Sherloc (09022015). Collection method: clinical testing. Allele origin: germline.
Comment: This sequence change creates a premature translational stop signal (p.Gln690*) in the KIF5A gene. It is expected to result in an absent or disrupted protein product. Loss-of-function variants in KIF5A are known to be pathogenic (PMID: 26374131). This variant is not present in population databases (gnomAD no frequency). This variant has not been reported in the literature in individuals affected with KIF5A-related conditions. ClinVar contains an entry for this variant (Variation ID: 2027343). For these reasons, this variant has been classified as Pathogenic.

Literature cited by the submitters: PubMed 26374131.

NM_004984.4(KIF5A):c.2068C>T (p.Gln690Ter)

Gene: KIF5A (kinesin family member 5A; plus strand). Cytogenetic location: 12q13.3.
Variant type: single nucleotide variant.
Coding change: c.2068C>T on transcript NM_004984.4 (MANE Select); coding-DNA position 2068, C replaced by T.
Protein change: p.Gln690Ter; replaces glutamine 690 with a stop codon.
Molecular consequence: nonsense.
Genome position (GRCh38, 1-based): chr12:57,576,131, C>T. VCF-style: chr12-57576131-C-T. GRCh37 (hg19) VCF-style: chr12-57969914-C-T.
Other names: c.1801C>T, p.Gln601Ter (NM_001354705.2); short protein forms Q690*, Q601*.
Identifiers: ClinVar variation 2027343 (VCV002027343.4), dbSNP rs1235560158, ClinGen allele CA385511057.
Genomic context (GRCh38, chr12:57,576,131, plus strand): 5'-CCCCTCTTTCCCTTAGAAACTGTGCATGAAGTGGCCCTGAAGGACAAGGAGCCTGACACT[C>T]AGGATGCAGATGAAGTGAAGGTGAGTAAGGAAGGTGTCAGGGACAATTGGGGCCTGGTGT-3'